The following is an entry in ClinVar:

ClinVar aggregate classification (germline): Uncertain significance. Review status: criteria provided, multiple submitters, no conflicts (2 of 4 stars). 2 submissions from 2 submitters: Uncertain significance (2). Last evaluated 2024-03-19.

Conditions:
Hypertrophic cardiomyopathy 9. Also called: Familial hypertrophic cardiomyopathy 9. Identifiers: MedGen C1861065, MONDO:0013412, OMIM 613765.
Tibial muscular dystrophy (TMD). Also called: UDD MYOPATHY; Tibial muscular dystrophy, tardive; Udd Distal Myopathy – Tibial Muscular Dystrophy. Identifiers: Orphanet 609, MedGen C1838244, MONDO:0010870, OMIM 600334.
Autosomal recessive limb-girdle muscular dystrophy type 2J (LGMDR10). Also called: MUSCULAR DYSTROPHY, LIMB-GIRDLE, AUTOSOMAL RECESSIVE 10; Limb-girdle muscular dystrophy, type 2J. Identifiers: Orphanet 140922, MedGen C1837342, MONDO:0012127, OMIM 608807.
Dilated cardiomyopathy 1G (CMD1G). Identifiers: Orphanet 154, MedGen C1858763, MONDO:0011400, OMIM 604145.
Early-onset myopathy with fatal cardiomyopathy (CMYO5). Also called: CONGENITAL MYOPATHY 5 WITH CARDIOMYOPATHY; Salih Myopathy. Identifiers: Orphanet 289377, MedGen C2673677, MONDO:0012714, OMIM 611705. Disease mechanism: loss of function.
Myopathy, myofibrillar, 9, with early respiratory failure (MFM9). Also called: MYOPATHY, PROXIMAL, WITH EARLY RESPIRATORY MUSCLE INVOLVEMENT; Myopathy, distal, with early respiratory failure, autosomal dominant; Hereditary myopathy with early respiratory failure; EDSTROM MYOPATHY. Identifiers: Orphanet 178464, Orphanet 34521, MedGen C1863599, MONDO:0011362, OMIM 603689.
Cardiovascular phenotype. Identifiers: MedGen CN230736.

Allele frequency attached by ClinVar (database versions not stated): gnomAD exomes below 0.00001; gnomAD 0.00003; TOPMed 0.00003.
gnomAD v4.1: 6 of 1,613,546 alleles (0.00037%); highest among the groups gnomAD compares: African/African-American, 0.008%; no homozygotes.

Submissions (2):

Fulgent Genetics
Classification: Uncertain significance for Tibial muscular dystrophy; Myopathy, myofibrillar, 9, with early respiratory failure; Dilated cardiomyopathy 1G; Autosomal recessive limb-girdle muscular dystrophy type 2J; Early-onset myopathy with fatal cardiomyopathy; Hypertrophic cardiomyopathy 9. Last evaluated: 2024-03-19. Review status: criteria provided, single submitter. Criteria: ACMG Guidelines, 2015. Collection method: clinical testing. Allele origin: germline.

Ambry Genetics
Classification: Uncertain significance for Cardiovascular phenotype. Last evaluated: 2020-05-06. Review status: criteria provided, single submitter. Criteria: Ambry Variant Classification Scheme 2023. Collection method: clinical testing. Allele origin: germline.
Comment: The p.L18330V variant (also known as c.54988T>G), located in coding exon 153 of the TTN gene, results from a T to G substitution at nucleotide position 54988. The leucine at codon 18330 is replaced by valine, an amino acid with highly similar properties. This amino acid position is not well conserved in available vertebrate species. In addition, this alteration is predicted to be tolerated by in silico analysis. Since supporting evidence is limited at this time, the clinical significance of this alteration remains unclear.

NM_001267550.2(TTN):c.82183T>G (p.Leu27395Val)

Genes: TTN (titin; minus strand), TTN-AS1 (TTN antisense RNA 1; plus strand). Cytogenetic location: 2q31.2.
Variant type: single nucleotide variant.
Coding change: c.82183T>G on transcript NM_001267550.2 (MANE Select); coding-DNA position 82183, T replaced by G.
Protein change: p.Leu27395Val; replaces leucine 27395 with valine.
Molecular consequence: missense variant.
Genome position (GRCh38, 1-based): chr2:178,563,949, A>C on the plus strand (T>G on the coding strand, the complement: TTN is on the minus strand). VCF-style: chr2-178563949-A-C. GRCh37 (hg19) VCF-style: chr2-179428676-A-C.
Other names: c.77260T>G, p.Leu25754Val (NM_001256850.1); c.54988T>G, p.Leu18330Val (NM_003319.4); c.74479T>G, p.Leu24827Val (NM_133378.4); c.55363T>G, p.Leu18455Val (NM_133432.3); c.55564T>G, p.Leu18522Val (NM_133437.4); short protein forms L18522V, L25754V, L27395V, L24827V, L18330V, L18455V.
Identifiers: ClinVar variation 1747885 (VCV001747885.3), dbSNP rs1304635139, ClinGen allele CA349575012.
Genomic context (GRCh38, chr2:178,563,949, plus strand): 5'-GTCGGCTTGTCTCCCTCTTTTCAATGATGTAATGTGAAATATTAGCACCACCATCTTGCA[A>C]AGGTGGGTTCCATGCCAGGTAACATTTTTCCGCAGTAACTCCAGTAACTTTCAGAGGCCC-3'
Protein context (NP_001254479.2, residues 27385-27405): EKCYLAWNPP[Leu27395Val]QDGGANISHY